The following is an entry in ClinVar:

ClinVar aggregate classification (germline): Likely benign. Review status: criteria provided, multiple submitters, no conflicts (2 of 4 stars). 2 submissions from 2 submitters: Likely benign (2). Last evaluated 2025-03-01.

Conditions:
Hereditary spastic paraplegia 39 (SPG39). Also called: Spastic Paraplegia Type 39 (SPG39); SPASTIC PARAPLEGIA 39, AUTOSOMAL RECESSIVE. Identifiers: Orphanet 139480, MedGen C2677586, MONDO:0012787, OMIM 612020.

Allele frequency attached by ClinVar (database versions not stated): gnomAD 0.00001 and 0.00002; gnomAD exomes 0.00001; TOPMed 0.00006.
gnomAD v4.1: 17 of 1,606,936 alleles (0.0011%); highest among the groups gnomAD compares: Admixed American, 0.0017%; no homozygotes.

Submissions (2):

CeGaT Center for Human Genetics Tuebingen
Classification: Likely benign. Last evaluated: 2025-03-01. Review status: criteria provided, single submitter. Criteria: CeGaT Center For Human Genetics Tuebingen Variant Classification Criteria Version 2. Collection method: clinical testing. Allele origin: germline. Affected: yes. Observed: 1 variant allele.
Comment: PNPLA6: BP4, BP7

Labcorp Genetics (formerly Invitae), Labcorp
Classification: Likely benign for Hereditary spastic paraplegia 39. Last evaluated: 2024-07-31. Review status: criteria provided, single submitter. Criteria: Invitae Variant Classification Sherloc (09022015). Collection method: clinical testing. Allele origin: germline.

NM_001166114.2(PNPLA6):c.1227C>T (p.Cys409=)

Gene: PNPLA6 (patatin like domain 6, lysophospholipase; plus strand). Cytogenetic location: 19p13.2.
Variant type: single nucleotide variant.
Coding change: c.1227C>T on transcript NM_001166114.2 (MANE Select); coding-DNA position 1227, C replaced by T.
Protein change: p.Cys409=; no amino-acid change (cysteine 409 retained).
Molecular consequence: synonymous variant.
Genome position (GRCh38, 1-based): chr19:7,542,042, C>T. VCF-style: chr19-7542042-C-T. GRCh37 (hg19) VCF-style: chr19-7606928-C-T.
Other names: c.1254C>T, p.Cys418= (NM_001166111.2); c.1110C>T, p.Cys370= (NM_001166112.2, NM_001166113.1, NM_006702.5).
Identifiers: ClinVar variation 761891 (VCV000761891.15), dbSNP rs1032668743, ClinGen allele CA304864926.